The following is an entry in ClinVar:

NM_001369.3(DNAH5):c.1731-1G>C

Gene: DNAH5 (dynein axonemal heavy chain 5; minus strand). Cytogenetic location: 5p15.2.
Variant type: single nucleotide variant.
Coding change: c.1731-1G>C on transcript NM_001369.3 (MANE Select); the canonical splice acceptor site of the intron before coding-DNA position 1731, G replaced by C.
Molecular consequence: splice acceptor variant.
Genome position (GRCh38, 1-based): chr5:13,901,574, C>G on the plus strand (G>C on the coding strand, the complement: DNAH5 is on the minus strand). VCF-style: chr5-13901574-C-G. GRCh37 (hg19) VCF-style: chr5-13901683-C-G.
Identifiers: ClinVar variation 2442557 (VCV002442557.4), dbSNP rs2547093291, ClinGen allele CA359207556.

ClinVar aggregate classification (germline): Pathogenic. Review status: criteria provided, multiple submitters, no conflicts (2 of 4 stars). 3 submissions from 3 submitters: Pathogenic (3). Last evaluated 2024-07-16.

Conditions:
Primary ciliary dyskinesia 3. Identifiers: Orphanet 244, MedGen C1837618, MONDO:0012085, OMIM 608644.
DNAH5-related disorders.

Submissions (3):

Institute of Human Genetics, University of Leipzig Medical Center
Classification: Pathogenic for Primary ciliary dyskinesia 3. Last evaluated: 2024-07-16. Review status: criteria provided, single submitter. Criteria: ACMG Guidelines, 2015. Collection method: clinical testing. Allele origin: inherited. Inheritance: Autosomal recessive inheritance. Affected: yes.
Comment: Criteria applied: PVS1,PM2,PM3

Blueprint Genetics
Classification: Pathogenic for DNAH5-related disorders. Last evaluated: 2023-12-26. Review status: criteria provided, single submitter. Criteria: ACMG Guidelines, 2015. Collection method: clinical testing. Allele origin: germline. Affected: yes. Observed: 3 variant alleles.

GeneDx
Classification: Pathogenic. Last evaluated: 2022-08-22. Review status: criteria provided, single submitter. Criteria: GeneDx Variant Classification Process June 2021. Collection method: clinical testing. Allele origin: germline. Affected: yes.
Comment: Canonical splice site variant predicted to result in a null allele in a gene for which loss of function is a known mechanism of disease; Not observed at significant frequency in large population cohorts (gnomAD); This variant is associated with the following publications: (PMID: 31765523)